The following is an entry in ClinVar:

ClinVar aggregate classification (germline): Benign (1 of 4 stars; one submission).

Conditions:
Sarcoglycanopathy. Identifiers: Orphanet 207052, MedGen C2936331, MONDO:0016140.

Allele frequency attached by ClinVar (database versions not stated): gnomAD exomes 0.00456; gnomAD 0.01358 and 0.01395; TOPMed 0.01521; 1000 Genomes Project 30x 0.01671; 1000 Genomes Project 0.01797.
gnomAD v4.1: 2,137 of 167,924 alleles (1.3%); highest among the groups gnomAD compares: Middle Eastern, 3.8%; 31 homozygotes.

Submission:

Illumina Laboratory Services, Illumina
Classification: Benign for Sarcoglycanopathy. Last evaluated: 2018-01-13. Review status: criteria provided, single submitter. Criteria: ICSL Variant Classification Criteria 13 December 2019. Collection method: clinical testing. Allele origin: germline.
Comment: This variant was observed in the ICSL laboratory as part of a predisposition screen in an ostensibly healthy population. It had not been previously curated by ICSL or reported in the Human Gene Mutation Database (HGMD: prior to June 1st, 2018), and was therefore a candidate for classification through an automated scoring system. Utilizing variant allele frequency, disease prevalence and penetrance estimates, and inheritance mode, an automated score was calculated to assess if this variant is too frequent to cause the disease. Based on the score and internal cut-off values, a variant classified as benign is not then subjected to further curation. The score for this variant resulted in a classification of benign for this disease.

NM_000231.3(SGCG):c.*505A>G

Gene: SGCG (sarcoglycan gamma; plus strand). Cytogenetic location: 13q12.12.
Variant type: single nucleotide variant.
Coding change: c.*505A>G on transcript NM_000231.3 (MANE Select); 505 bases downstream of the stop codon, A replaced by G.
Molecular consequence: 3 prime UTR variant.
Genome position (GRCh38, 1-based): chr13:23,325,046, A>G. VCF-style: chr13-23325046-A-G. GRCh37 (hg19) VCF-style: chr13-23899185-A-G.
Other names: c.*505A>G (NM_001378244.1, NM_001378245.1, NM_001378246.1).
Identifiers: ClinVar variation 881922 (VCV000881922.4), dbSNP rs7329620, ClinGen allele CA246641857.